The following is an entry in ClinVar:

NM_001164508.2(NEB):c.9694G>T (p.Ala3232Ser)

Gene: NEB (nebulin; minus strand). Cytogenetic location: 2q23.3.
Variant type: single nucleotide variant.
Coding change: c.9694G>T on transcript NM_001164508.2 (MANE Select); coding-DNA position 9694, G replaced by T.
Protein change: p.Ala3232Ser; replaces alanine 3232 with serine.
Molecular consequence: missense variant.
Genome position (GRCh38, 1-based): chr2:151,630,744, C>A on the plus strand (G>T on the coding strand, the complement: NEB is on the minus strand). VCF-style: chr2-151630744-C-A. GRCh37 (hg19) VCF-style: chr2-152487258-C-A.
Other names: c.9694G>T, p.Ala3232Ser (NM_001164507.2, NM_001271208.2); c.8965G>T, p.Ala2989Ser (NM_004543.5); short protein forms A3232S, A2989S.
Identifiers: ClinVar variation 533988 (VCV000533988.8), dbSNP rs1329330602, ClinGen allele CA348798807.
Genomic context (GRCh38, chr2:151,630,744, plus strand): 5'-ACAATATAGCACCACAGATTTTTGCTCCTACCTCACTGTAGTTGATTTTGTTCTGCCTTG[C>A]CAACATAATCTCTGGTGTATCAGGCATTATGTGAATTTGAGTCTTGTCTTTGTCCCAGGC-3'
Protein context (NP_001157980.2, residues 3222-3242): IMPDTPEIML[Ala3232Ser]RQNKINYSET

ClinVar aggregate classification (germline): Uncertain significance (1 of 4 stars; one submission).

Conditions:
Nemaline myopathy 2 (NEM2). Also called: Nemaline myopathy 2, autosomal recessive. Identifiers: MedGen C1850569, MONDO:0009725, OMIM 256030.

Allele frequency attached by ClinVar (database versions not stated): gnomAD 0.00001; TOPMed below 0.00001.
gnomAD v4.1: 1 of 1,610,354 alleles (0.000062%); highest among the groups gnomAD compares: East Asian, 0.0022%; no homozygotes.

Submission:

Labcorp Genetics (formerly Invitae), Labcorp
Classification: Uncertain significance for Nemaline myopathy 2. Last evaluated: 2024-01-08. Review status: criteria provided, single submitter. Criteria: Invitae Variant Classification Sherloc (09022015). Collection method: clinical testing. Allele origin: germline.
Comment: This sequence change replaces alanine, which is neutral and non-polar, with serine, which is neutral and polar, at codon 3232 of the NEB protein (p.Ala3232Ser). This variant is not present in population databases (gnomAD no frequency). This variant has not been reported in the literature in individuals affected with NEB-related conditions. ClinVar contains an entry for this variant (Variation ID: 533988). Experimental studies and prediction algorithms are not available or were not evaluated, and the functional significance of this variant is currently unknown. In summary, the available evidence is currently insufficient to determine the role of this variant in disease. Therefore, it has been classified as a Variant of Uncertain Significance.